The following is an entry in ClinVar:

NM_007294.4(BRCA1):c.5029A>C (p.Thr1677Pro)

Gene: BRCA1 (BRCA1 DNA repair associated; minus strand). Cytogenetic location: 17q21.31.
Variant type: single nucleotide variant.
Coding change: c.5029A>C on transcript NM_007294.4 (MANE Select); coding-DNA position 5029, A replaced by C.
Protein change: p.Thr1677Pro; replaces threonine 1677 with proline.
Molecular consequence: missense variant. On other transcripts: non-coding transcript variant (1).
Genome position (GRCh38, 1-based): chr17:43,067,653, T>G on the plus strand (A>C on the coding strand, the complement: BRCA1 is on the minus strand). VCF-style: chr17-43067653-T-G. GRCh37 (hg19) VCF-style: chr17-41219670-T-G.
Other names: c.4816A>C, p.Thr1606Pro (NM_001407571.1, NM_001407894.1, NM_001407895.1 and 12 more transcripts); c.5095A>C, p.Thr1699Pro (NM_001407581.1, NM_001407582.1); c.5092A>C, p.Thr1698Pro (NM_001407583.1, NM_001407585.1, NM_001407587.1 and 1 more transcripts); c.5089A>C, p.Thr1697Pro (NM_001407590.1, NM_001407591.1); c.5029A>C, p.Thr1677Pro (NM_001407593.1, NM_001407594.1, NM_001407596.1 and 8 more transcripts); c.5026A>C, p.Thr1676Pro (NM_001407620.1, NM_001407621.1, NM_001407622.1 and 17 more transcripts); c.5023A>C, p.Thr1675Pro (NM_001407627.1, NM_001407628.1, NM_001407639.1 and 14 more transcripts); c.5020A>C, p.Thr1674Pro (NM_001407644.1, NM_001407645.1); and 70 more; short protein forms T573P, T1630P, T1677P, T1698P, T1380P, T1508P, T1548P, T1565P.
Identifiers: ClinVar variation 868939 (VCV000868939.3), dbSNP rs2052175330, ClinGen allele CA10591459.

Conditions:
Breast-ovarian cancer, familial, susceptibility to, 1 (BROVCA1). Also called: BRCA1 Hereditary Breast and Ovarian Cancer; OVARIAN CANCER, SUSCEPTIBILITY TO. Identifiers: Orphanet 145, MedGen C2676676, MONDO:0011450, OMIM 604370. Disease mechanism: loss of function.

Submission:

Brotman Baty Institute, University of Washington
No classification provided (evidence only). Condition: Breast-ovarian cancer, familial 1. Review status: no classification provided. Collection method: in vitro. Allele origin: not applicable. Functional consequence: functionally_normal.
ClinVar note: "not provided" was previously submitted as the classification for the variant. However, the classification appeared to be based only on an observation of functional data so it was converted to no classification on 2025-07-30.